The following is an entry in ClinVar:

NM_024989.4(PGAP1):c.1494T>C (p.Phe498=)

Gene: PGAP1 (post-GPI attachment to proteins inositol deacylase 1; minus strand). Cytogenetic location: 2q33.1.
Variant type: single nucleotide variant.
Coding change: c.1494T>C on transcript NM_024989.4 (MANE Select); coding-DNA position 1494, T replaced by C.
Protein change: p.Phe498=; no amino-acid change (phenylalanine 498 retained).
Molecular consequence: synonymous variant.
Genome position (GRCh38, 1-based): chr2:196,873,691, A>G on the plus strand (T>C on the coding strand, the complement: PGAP1 is on the minus strand). VCF-style: chr2-196873691-A-G. GRCh37 (hg19) VCF-style: chr2-197738415-A-G.
Other names: c.972T>C, p.Phe324= (NM_001321099.2); c.327T>C, p.Phe109= (NM_001321100.2).
Identifiers: ClinVar variation 436293 (VCV000436293.32), dbSNP rs1553601067, ClinGen allele CA430545331.

ClinVar aggregate classification (germline): Likely benign. Review status: criteria provided, multiple submitters, no conflicts (2 of 4 stars). 4 submissions from 4 submitters: Likely benign (4). Last evaluated 2024-01-01.

Conditions:
Intellectual disability, autosomal recessive 42 (NEDDSBA). Also called: GLYCOSYLPHOSPHATIDYLINOSITOL BIOSYNTHESIS DEFECT 9; Neurodevelopmental disorder with dysmorphic features, spasticity, and brain abnormalities. Identifiers: Orphanet 88616, MedGen C4014343, MONDO:0014348, OMIM 615802.

Allele frequency attached by ClinVar (database versions not stated): gnomAD exomes 0.00001.
gnomAD v4.1: 11 of 1,610,828 alleles (0.00068%); highest among the groups gnomAD compares: Middle Eastern, 0.066%; no homozygotes.

Submissions (4):

CeGaT Center for Human Genetics Tuebingen
Classification: Likely benign. Last evaluated: 2024-01-01. Review status: criteria provided, single submitter. Criteria: CeGaT Center For Human Genetics Tuebingen Variant Classification Criteria Version 2. Collection method: clinical testing. Allele origin: germline. Affected: yes. Observed: 2 variant alleles.
Comment: PGAP1: PM2:Supporting, BP4, BP7

Labcorp Genetics (formerly Invitae), Labcorp
Classification: Likely benign for Intellectual disability, autosomal recessive 42. Last evaluated: 2023-12-06. Review status: criteria provided, single submitter. Criteria: Invitae Variant Classification Sherloc (09022015). Collection method: clinical testing. Allele origin: germline.

Genetic Services Laboratory, University of Chicago
Classification: Likely benign. Last evaluated: 2016-09-01. Review status: criteria provided, single submitter. Criteria: ACMG Guidelines, 2015. Collection method: clinical testing. Allele origin: germline. Affected: no.

Breakthrough Genomics
Classification: Likely benign. Review status: criteria provided, single submitter. Criteria: ACMG Guidelines, 2015. Collection method: not provided. Allele origin: germline. Inheritance: Autosomal recessive inheritance. Affected: yes.